The following is an entry in ClinVar:

NM_181552.4(CUX1):c.828+7A>G

Gene: CUX1 (cut like homeobox 1; plus strand). Cytogenetic location: 7q22.1.
Variant type: single nucleotide variant.
Coding change: c.828+7A>G on transcript NM_181552.4 (MANE Select); 7 bases into the intron after coding-DNA position 828, A replaced by G.
Molecular consequence: intron variant.
Genome position (GRCh38, 1-based): chr7:102,170,557, A>G. VCF-style: chr7-102170557-A-G. GRCh37 (hg19) VCF-style: chr7-101813837-A-G.
Other names: c.861+7A>G (NM_001913.5, NM_181500.4, NM_001202543.2); c.723+7A>G (NM_001202545.3); c.813+7A>G (NM_001202544.3); c.750+7A>G (NM_001202546.3).
Identifiers: ClinVar variation 4851378 (VCV004851378.1).

ClinVar aggregate classification (germline): Likely benign (1 of 4 stars; one submission).

Conditions:
Global developmental delay with or without impaired intellectual development. Identifiers: MedGen C5193032, MONDO:0032680, OMIM 618330.

gnomAD v4.1: 2 of 1,567,286 alleles (0.00013%); highest among the groups gnomAD compares: South Asian, 0.0023%; no homozygotes.

Submission:

Centre for Medical Genetics,  Mumbai
Classification: Likely benign for Global developmental delay with or without impaired intellectual development. Last evaluated: 2026-04-15. Review status: criteria provided, single submitter. Criteria: ACMG Guidelines, 2015. Collection method: provider interpretation. Allele origin: germline. Inheritance: Autosomal dominant inheritance. Affected: no. Observed: 1 variant allele, 1 heterozygote.
Comment: The variant satisfies PM2 criteria - extremely low frequency in gnomAD population databases. However, the variant satisfies BS2 criteria - present in heterozygous state in an individual that clinically does not have neurodevelopmental disorder with developmental delay.

Literature cited by the submitters: PubMed 30014507.